The following is an entry in ClinVar:

ClinVar aggregate classification (germline): Likely benign. Review status: criteria provided, multiple submitters, no conflicts (2 of 4 stars). 2 submissions from 2 submitters: Likely benign (2). Last evaluated 2026-03-31.

Conditions:
ASPH-related disorder. Also called: ASPH-related condition.

Allele frequency attached by ClinVar (database versions not stated): gnomAD exomes 0.00005 and 0.00007; ExAC 0.00006; ESP Exome Variant Server 0.00008; TOPMed 0.00008; gnomAD 0.00009 and 0.00010.
gnomAD v4.1: 81 of 1,613,882 alleles (0.005%); highest among the groups gnomAD compares: Middle Eastern, 0.016%; no homozygotes.

Submissions (2):

PreventionGenetics, part of Exact Sciences
Classification: Likely benign for ASPH-related condition. Last evaluated: 2026-03-31. Review status: criteria provided, single submitter. Criteria: ACMG Guidelines, 2015. Collection method: clinical testing. Allele origin: germline.
Comment: This variant is classified as likely benign based on ACMG/AMP sequence variant interpretation guidelines (Richards et al. 2015 PMID: 25741868, with internal and published modifications).

Labcorp Genetics (formerly Invitae), Labcorp
Classification: Likely benign. Last evaluated: 2019-12-31. Review status: criteria provided, single submitter. Criteria: Invitae Variant Classification Sherloc (09022015). Collection method: clinical testing. Allele origin: germline.

NM_004318.4(ASPH):c.1476C>T (p.Val492=)

Gene: ASPH (aspartate beta-hydroxylase; minus strand). Cytogenetic location: 8q12.3.
Variant type: single nucleotide variant.
Coding change: c.1476C>T on transcript NM_004318.4 (MANE Select); coding-DNA position 1476, C replaced by T.
Protein change: p.Val492=; no amino-acid change (valine 492 retained).
Molecular consequence: synonymous variant.
Genome position (GRCh38, 1-based): chr8:61,555,984, G>A on the plus strand (C>T on the coding strand, the complement: ASPH is on the minus strand). VCF-style: chr8-61555984-G-A. GRCh37 (hg19) VCF-style: chr8-62468543-G-A.
Other names: c.1389C>T, p.Val463= (NM_001164750.2).
Identifiers: ClinVar variation 797752 (VCV000797752.5), dbSNP rs377640773, ClinGen allele CA4761714.